The following is an entry in ClinVar:

ClinVar aggregate classification (germline): Conflicting classifications of pathogenicity. Review status: criteria provided, conflicting classifications (1 of 4 stars). 2 submissions from 2 submitters: Uncertain significance (1); Benign (1). Last evaluated 2025-11-25.

Conditions:
Hereditary cancer-predisposing syndrome. Also called: Tumor predisposition; Hereditary neoplastic syndrome; Neoplastic Syndromes, Hereditary; Hereditary Cancer Syndrome. Identifiers: Orphanet 140162, MedGen C0027672, MeSH D009386, MONDO:0015356.
EGFR-related lung cancer (EGFR). Identifiers: MedGen CN130014.

Allele frequency attached by ClinVar (database versions not stated): gnomAD 0.00003 and 0.00004; gnomAD exomes 0.00003 and 0.00010; ExAC 0.00004; TOPMed 0.00008.
gnomAD v4.1: 44 of 1,611,500 alleles (0.0027%); highest among the groups gnomAD compares: Admixed American, 0.04%; no homozygotes.

Submissions (2):

Labcorp Genetics (formerly Invitae), Labcorp
Classification: Uncertain significance for EGFR-related lung cancer. Last evaluated: 2025-11-25. Review status: criteria provided, single submitter. Criteria: Invitae Variant Classification Sherloc (09022015). Collection method: clinical testing. Allele origin: germline.
Comment: This sequence change replaces alanine, which is neutral and non-polar, with valine, which is neutral and non-polar, at codon 1118 of the EGFR protein (p.Ala1118Val). This variant is present in population databases (rs773996588, gnomAD 0.06%). This variant has not been reported in the literature in individuals affected with EGFR-related conditions. ClinVar contains an entry for this variant (Variation ID: 959846). An algorithm developed to predict the effect of missense changes on protein structure and function (PolyPhen-2) suggests that this variant is likely to be tolerated. In summary, the available evidence is currently insufficient to determine the role of this variant in disease. Therefore, it has been classified as a Variant of Uncertain Significance.

Ambry Genetics
Classification: Benign for Hereditary cancer-predisposing syndrome. Last evaluated: 2024-10-28. Review status: criteria provided, single submitter. Criteria: Ambry Variant Classification Scheme 2023. Collection method: clinical testing. Allele origin: germline.

NM_005228.5(EGFR):c.3353C>T (p.Ala1118Val)

Gene: EGFR (epidermal growth factor receptor; plus strand). Cytogenetic location: 7p11.2.
Variant type: single nucleotide variant.
Coding change: c.3353C>T on transcript NM_005228.5 (MANE Select); coding-DNA position 3353, C replaced by T.
Protein change: p.Ala1118Val; replaces alanine 1118 with valine.
Molecular consequence: missense variant.
Genome position (GRCh38, 1-based): chr7:55,205,337, C>T. VCF-style: chr7-55205337-C-T. GRCh37 (hg19) VCF-style: chr7-55273030-C-T.
Other names: c.3218C>T, p.Ala1073Val (NM_001346899.2); c.3194C>T, p.Ala1065Val (NM_001346900.2); c.2552C>T, p.Ala851Val (NM_001346941.2); short protein forms A1065V, A1118V, A1073V, A851V.
Identifiers: ClinVar variation 959846 (VCV000959846.9), dbSNP rs773996588, ClinGen allele CA4266385.